The following is an entry in ClinVar:

ClinVar aggregate classification (germline): Likely benign (0 of 4 stars; one submission).

Conditions:
BLTP1-related disorder. Also called: BLTP1-related condition.

Allele frequency attached by ClinVar (database versions not stated): ESP Exome Variant Server 0.00008; ExAC 0.00009; gnomAD 0.00009; TOPMed 0.00009; gnomAD exomes 0.00014.
gnomAD v4.1: 210 of 1,611,102 alleles (0.013%); highest among the groups gnomAD compares: Non-Finnish European, 0.017%; no homozygotes.

Submission:

PreventionGenetics, part of Exact Sciences
Classification: Likely benign for BLTP1-related condition. Last evaluated: 2019-08-13. Review status: no assertion criteria provided. Collection method: clinical testing. Allele origin: germline.
Comment: This variant is classified as likely benign based on ACMG/AMP sequence variant interpretation guidelines (Richards et al. 2015 PMID: 25741868, with internal and published modifications).

NM_001384125.1(BLTP1):c.9672+8C>T

Gene: BLTP1 (bridge-like lipid transfer protein family member 1; plus strand). Cytogenetic location: 4q27.
Variant type: single nucleotide variant.
Coding change: c.9672+8C>T on transcript NM_001384125.1 (MANE Select); 8 bases into the intron after coding-DNA position 9672, C replaced by T.
Molecular consequence: intron variant.
Genome position (GRCh38, 1-based): chr4:122,304,991, C>T. VCF-style: chr4-122304991-C-T. GRCh37 (hg19) VCF-style: chr4-123226146-C-T.
Other names: c.9672+8C>T (NM_015312.4).
Identifiers: ClinVar variation 3035679 (VCV003035679.2), dbSNP rs367984684, ClinGen allele CA3067418.